The following is an entry in ClinVar:

ClinVar aggregate classification (germline): Uncertain significance. Review status: criteria provided, multiple submitters, no conflicts (2 of 4 stars). 2 submissions from 2 submitters: Uncertain significance (2). Last evaluated 2022-07-19.

Conditions:
Usher syndrome type 1D (USH1D). Also called: USHER SYNDROME, TYPE ID. Identifiers: Orphanet 231169, Orphanet 886, MedGen C1832845, MONDO:0010984, OMIM 601067.
Autosomal recessive nonsyndromic hearing loss 12. Also called: DEAFNESS, AUTOSOMAL RECESSIVE 12. Identifiers: Orphanet 90636, MedGen C1832394, MONDO:0011067, OMIM 601386.
Pituitary adenoma 5, multiple types. Identifiers: MedGen C4539685, MONDO:0054601, OMIM 617540.

Allele frequency attached by ClinVar (database versions not stated): gnomAD exomes 0.00001 and 0.00002; ExAC 0.00002; gnomAD 0.00002 and 0.00003; TOPMed 0.00003; ESP Exome Variant Server 0.00008; 1000 Genomes Project 0.00020; 1000 Genomes Project 30x 0.00031.
gnomAD v4.1: 9 of 1,611,994 alleles (0.00056%); highest among the groups gnomAD compares: Admixed American, 0.0084%; no homozygotes.

Submissions (2):

Labcorp Genetics (formerly Invitae), Labcorp
Classification: Uncertain significance. Last evaluated: 2022-07-19. Review status: criteria provided, single submitter. Criteria: Invitae Variant Classification Sherloc (09022015). Collection method: clinical testing. Allele origin: germline.
Comment: This sequence change replaces isoleucine, which is neutral and non-polar, with threonine, which is neutral and polar, at codon 2027 of the CDH23 protein (p.Ile2027Thr). This variant is present in population databases (rs185819621, gnomAD 0.01%). This variant has not been reported in the literature in individuals affected with CDH23-related conditions. ClinVar contains an entry for this variant (Variation ID: 1427906). Algorithms developed to predict the effect of missense changes on protein structure and function are either unavailable or do not agree on the potential impact of this missense change (SIFT: "Deleterious"; PolyPhen-2: "Not Available"; Align-GVGD: "Class C65"). In summary, the available evidence is currently insufficient to determine the role of this variant in disease. Therefore, it has been classified as a Variant of Uncertain Significance.

Fulgent Genetics
Classification: Uncertain significance for Usher syndrome type 1D; Autosomal recessive nonsyndromic hearing loss 12; Pituitary adenoma 5, multiple types. Last evaluated: 2021-08-06. Review status: criteria provided, single submitter. Criteria: ACMG Guidelines, 2015. Collection method: clinical testing. Allele origin: unknown.

NM_022124.6(CDH23):c.6080T>C (p.Ile2027Thr)

Gene: CDH23 (cadherin related 23; plus strand). Cytogenetic location: 10q22.1.
Variant type: single nucleotide variant.
Coding change: c.6080T>C on transcript NM_022124.6 (MANE Select); coding-DNA position 6080, T replaced by C.
Protein change: p.Ile2027Thr; replaces isoleucine 2027 with threonine.
Molecular consequence: missense variant.
Genome position (GRCh38, 1-based): chr10:71,791,162, T>C. VCF-style: chr10-71791162-T-C. GRCh37 (hg19) VCF-style: chr10-73550919-T-C.
Other names: short protein forms I2027T.
Identifiers: ClinVar variation 1427906 (VCV001427906.4), dbSNP rs185819621, ClinGen allele CA5545992.